The following is an entry in ClinVar:

NC_000009.12:g.(?_135786177)_(135792181_?)del

Gene: KCNT1 (potassium sodium-activated channel subfamily T member 1; plus strand). Cytogenetic location: 9q34.3.
Variant type: Deletion.
Identifiers: ClinVar variation 833297 (VCV000833297.7).

ClinVar aggregate classification (germline): Uncertain significance (1 of 4 stars; one submission).

Conditions:
Autosomal dominant nocturnal frontal lobe epilepsy 5. Also called: CILIARY DYSKINESIA, PRIMARY, 28, WITHOUT SITUS INVERSUS; KCNT1-Related Epilepsy; CILIARY DYSKINESIA, PRIMARY, 28, WITH SITUS INVERSUS; Epilepsy, nocturnal frontal lobe, 5. Identifiers: Orphanet 98784, MedGen C3554306, MONDO:0014002, OMIM 615005.
Developmental and epileptic encephalopathy, 14 (DEE14). Also called: Early infantile epileptic encephalopathy 14. Identifiers: Orphanet 293181, MedGen C3554195, MONDO:0013989, OMIM 614959.

Submission:

Labcorp Genetics (formerly Invitae), Labcorp
Classification: Uncertain significance for Autosomal dominant nocturnal frontal lobe epilepsy 5; Developmental and epileptic encephalopathy, 14. Last evaluated: 2019-03-28. Review status: criteria provided, single submitter. Criteria: Invitae Variant Classification Sherloc (09022015). Collection method: clinical testing. Allele origin: germline.
Comment: In summary, the available evidence is currently insufficient to determine the role of this variant in disease. Therefore, it has been classified as a Variant of Uncertain Significance. This variant has not been reported in the literature in individuals with KCNT1-related conditions. This variant is a gross deletion of the genomic region encompassing exons 29-31 of the KCNT1 gene. The 5' boundary is likely confined to intron 28. The 3' end of this event is unknown as it extends through the termination codon beyond the assayed region for this gene and may encompass additional genes. While this deletion is not anticipated to result in¬†nonsense mediated¬†decay, it is expected to create a truncated protein product or disrupt mRNA translation.